The following is an entry in ClinVar:

NM_000384.3(APOB):c.10660G>A (p.Ala3554Thr)

Gene: APOB (apolipoprotein B; minus strand). Cytogenetic location: 2p24.1.
Variant type: single nucleotide variant.
Coding change: c.10660G>A on transcript NM_000384.3 (MANE Select); coding-DNA position 10660, G replaced by A.
Protein change: p.Ala3554Thr; replaces alanine 3554 with threonine.
Molecular consequence: missense variant.
Genome position (GRCh38, 1-based): chr2:21,006,208, C>T on the plus strand (G>A on the coding strand, the complement: APOB is on the minus strand). VCF-style: chr2-21006208-C-T. GRCh37 (hg19) VCF-style: chr2-21229080-C-T.
Other names: short protein forms A3554T.
Identifiers: ClinVar variation 3572062 (VCV003572062.1).
Genomic context (GRCh38, chr2:21,006,208, plus strand): 5'-CTAGCTGTAAGTGGTTTTTCGTACTGTGCTCCCAGAGGGAATATATGCGTTGGAGTGTGG[C>T]TTCTCCAGCAAAATTTTCTTTTACTTCAAGGTTCCAGATATCATCAATTTTGGAAGTGCC-3'
Protein context (NP_000375.3, residues 3544-3564): LEVKENFAGE[Ala3554Thr]TLQRIYSLWE

ClinVar aggregate classification (germline): Uncertain significance (1 of 4 stars; one submission).

gnomAD v4.1: 6 of 1,614,032 alleles (0.00037%); highest among the groups gnomAD compares: Non-Finnish European, 0.00051%; no homozygotes.

Submission:

Quest Diagnostics Nichols Institute San Juan Capistrano
Classification: Uncertain significance. Last evaluated: 2024-05-09. Review status: criteria provided, single submitter. Criteria: Quest Diagnostics criteria. Collection method: clinical testing. Allele origin: unknown.
Comment: The APOB c.10660G>A (p.Ala3554Thr) variant has not been reported in individuals with APOB-related conditions in the published literature. It also has not been reported in large, multi-ethnic general populations (Genome Aggregation Database). Analysis of this variant using bioinformatics tools for the prediction of the effect of amino acid changes on protein structure and function yielded conflicting predictions that this variant is deleterious or benign. Based on the available information, we are unable to determine the clinical significance of this variant.